The following is an entry in ClinVar:

NM_001042681.2(RERE):c.4571C>T (p.Ser1524Leu)

Gene: RERE (arginine-glutamic acid dipeptide repeats; minus strand). Cytogenetic location: 1p36.23.
Variant type: single nucleotide variant.
Coding change: c.4571C>T on transcript NM_001042681.2 (MANE Select); coding-DNA position 4571, C replaced by T.
Protein change: p.Ser1524Leu; replaces serine 1524 with leucine.
Molecular consequence: missense variant.
Genome position (GRCh38, 1-based): chr1:8,355,515, G>A on the plus strand (C>T on the coding strand, the complement: RERE is on the minus strand). VCF-style: chr1-8355515-G-A. GRCh37 (hg19) VCF-style: chr1-8415575-G-A.
Other names: c.2909C>T, p.Ser970Leu (NM_001042682.2); c.4571C>T, p.Ser1524Leu (NM_012102.4); short protein forms S970L, S1524L.
Identifiers: ClinVar variation 1031740 (VCV001031740.2), dbSNP rs1641253525, ClinGen allele CA338168194.
Genomic context (GRCh38, chr1:8,355,515, plus strand): 5'-TGCATGTGGGGGTGTCCATGCAGCCACTGCTGCTCCATGGCCAGTCTCTGCAGCTCGGCC[G>A]ACTGGGCATGCATGGCCTGCAGCTGGTGGGCTGCTGACATGGGGGGTGGGATGGCCCCAG-3'
Protein context (NP_001036146.1, residues 1514-1534): AHQLQAMHAQ[Ser1524Leu]AELQRLAMEQ

ClinVar aggregate classification (germline): Uncertain significance. Review status: criteria provided, multiple submitters, no conflicts (2 of 4 stars). 2 submissions from 2 submitters: Uncertain significance (2). Last evaluated 2024-02-28.

Conditions:
Neurodevelopmental disorder with or without anomalies of the brain, eye, or heart (NEDBEH). Identifiers: Orphanet 494344, MedGen C5567477, MONDO:0014857, OMIM 616975.
Inborn genetic diseases. Identifiers: MedGen C0950123, MeSH D030342.

Allele frequency attached by ClinVar (database versions not stated): gnomAD exomes below 0.00001.
gnomAD v4.1: 1 of 1,611,816 alleles (0.000062%); highest among the groups gnomAD compares: Non-Finnish European, 0.000085%; no homozygotes.

Submissions (2):

Ambry Genetics
Classification: Uncertain significance for Inborn genetic diseases. Last evaluated: 2024-02-28. Review status: criteria provided, single submitter. Criteria: Ambry Variant Classification Scheme 2023. Collection method: clinical testing. Allele origin: germline.

Baylor Genetics
Classification: Uncertain significance for Neurodevelopmental disorder with or without anomalies of the brain, eye, or heart. Last evaluated: 2018-05-30. Review status: criteria provided, single submitter. Criteria: ACMG Guidelines, 2015. Collection method: clinical testing. Allele origin: unknown. Affected: yes.
Comment: This variant was determined to be of uncertain significance according to ACMG Guidelines, 2015 [PMID:25741868].